The following is an entry in ClinVar:

NM_004826.4(ECEL1):c.1450C>T (p.Arg484Cys)

Gene: ECEL1 (endothelin converting enzyme like 1; minus strand). Cytogenetic location: 2q37.1.
Variant type: single nucleotide variant.
Coding change: c.1450C>T on transcript NM_004826.4 (MANE Select); coding-DNA position 1450, C replaced by T.
Protein change: p.Arg484Cys; replaces arginine 484 with cysteine.
Molecular consequence: missense variant.
Genome position (GRCh38, 1-based): chr2:232,483,472, G>A on the plus strand (C>T on the coding strand, the complement: ECEL1 is on the minus strand). VCF-style: chr2-232483472-G-A. GRCh37 (hg19) VCF-style: chr2-233348182-G-A.
Other names: c.1450C>T, p.Arg484Cys (NM_001290787.2); short protein forms R484C.
Identifiers: ClinVar variation 3899304 (VCV003899304.1).
Genomic context (GRCh38, chr2:232,483,472, plus strand): 5'-TCACCTTGGCCCGAGCAGCAGCCCTGGTCTCGGCGTCCATCCAGTCCAGCTCCTCCAGGC[G>A]CTGGCCCAGGATGTACTTGATGTCTTCCACTAGCTGCTGCACCTGCAGGGTCAGGGGTCA-3'
Protein context (NP_004817.2, residues 474-494): VEDIKYILGQ[Arg484Cys]LEELDWMDAE

ClinVar aggregate classification (germline): Uncertain significance (1 of 4 stars; one submission).

Conditions:
Distal arthrogryposis. Identifiers: Orphanet 97120, MedGen C0265213, MONDO:0019942, HP:0005684.

Submission:

Clinical Genetics Laboratory, Skane University Hospital Lund
Classification: Uncertain significance for Distal arthrogryposis. Last evaluated: 2025-05-16. Review status: criteria provided, single submitter. Criteria: ACMG Guidelines, 2015. Collection method: clinical testing. Allele origin: germline. Affected: yes.
Comment: ACMG criteria used: PM2, PP3. Found in a heterozygous state.